The following is an entry in ClinVar:

ClinVar aggregate classification (germline): Likely benign (1 of 4 stars; one submission).

Allele frequency attached by ClinVar (database versions not stated): ExAC 0.00001; gnomAD 0.00001; gnomAD exomes 0.00001; TOPMed 0.00001.
gnomAD v4.1: 14 of 1,611,654 alleles (0.00087%); highest among the groups gnomAD compares: Middle Eastern, 0.022%; no homozygotes.

Submission:

CeGaT Center for Human Genetics Tuebingen
Classification: Likely benign. Last evaluated: 2024-04-01. Review status: criteria provided, single submitter. Criteria: CeGaT Center For Human Genetics Tuebingen Variant Classification Criteria Version 2. Collection method: clinical testing. Allele origin: germline. Affected: yes. Observed: 1 variant allele.
Comment: HERC2: BP4, BP7

NM_004667.6(HERC2):c.3975G>A (p.Pro1325=)

Gene: HERC2 (HECT and RLD domain containing E3 ubiquitin protein ligase 2; minus strand). Cytogenetic location: 15q13.1.
Variant type: single nucleotide variant.
Coding change: c.3975G>A on transcript NM_004667.6 (MANE Select); coding-DNA position 3975, G replaced by A.
Protein change: p.Pro1325=; no amino-acid change (proline 1325 retained).
Molecular consequence: synonymous variant.
Genome position (GRCh38, 1-based): chr15:28,236,991, C>T on the plus strand (G>A on the coding strand, the complement: HERC2 is on the minus strand). VCF-style: chr15-28236991-C-T. GRCh37 (hg19) VCF-style: chr15-28482137-C-T.
Identifiers: ClinVar variation 3234540 (VCV003234540.20), dbSNP rs759567478, ClinGen allele CA7442770.
Genomic context (GRCh38, chr15:28,236,991, plus strand): 5'-TGCTGATCAGCAAAAAGCAAAGATTTTCTTACTGGCACATTCAATCTCGACAGGAGACAG[C>T]GGTGTGCTCATTGCCAAATACGAAGCGTGTAATCCGAGAAGCAGGCCCAGATTCCTCTCT-3'
Protein context (NP_004658.3, residues 1315-1335): LHASYLAMST[Pro1325=]LSPVEIECAK